The following is an entry in ClinVar:

NM_000161.3(GCH1):c.159G>A (p.Trp53Ter)

Gene: GCH1 (GTP cyclohydrolase 1; minus strand). Cytogenetic location: 14q22.2.
Variant type: single nucleotide variant.
Coding change: c.159G>A on transcript NM_000161.3 (MANE Select); coding-DNA position 159, G replaced by A.
Protein change: p.Trp53Ter; replaces tryptophan 53 with a stop codon.
Molecular consequence: nonsense.
Genome position (GRCh38, 1-based): chr14:54,902,505, C>T on the plus strand (G>A on the coding strand, the complement: GCH1 is on the minus strand). VCF-style: chr14-54902505-C-T. GRCh37 (hg19) VCF-style: chr14-55369223-C-T.
Other names: c.159G>A, p.Trp53Ter (NM_001024024.2, NM_001024070.2, NM_001024071.2); short protein forms W53*.
Identifiers: ClinVar variation 280517 (VCV000280517.2), dbSNP rs886041708, ClinGen allele CA10603246.

ClinVar aggregate classification (germline): Pathogenic (1 of 4 stars; one submission).

Allele frequency attached by ClinVar (database versions not stated): gnomAD exomes below 0.00001.
gnomAD v4.1: 1 of 1,603,558 alleles (0.000062%); highest among the groups gnomAD compares: Non-Finnish European, 0.000085%; no homozygotes.

Submission:

GeneDx
Classification: Pathogenic. Last evaluated: 2016-04-18. Review status: criteria provided, single submitter. Criteria: GeneDx Variant Classification (06012015). Collection method: clinical testing. Allele origin: germline. Affected: yes.
Comment: The W53X nonsense variant in the GCH1 gene is predicted to cause loss of normal protein function either through protein truncation or nonsense-mediated mRNA decay. The W53X variant was not observed in approximately 6,400 individuals of European and African American ancestry in the NHLBI Exome Sequencing Project, indicating it is not a common benign variant in these populations. Although this pathogenic variant has not been reported previously to our knowledge, its presence is consistent with the diagnosis of dopa-responsive dystonia (DRD)